The following is an entry in ClinVar:

NM_003924.4(PHOX2B):c.635G>C (p.Gly212Ala)

Gene: PHOX2B (paired like homeobox 2B; minus strand). Cytogenetic location: 4p13.
Variant type: single nucleotide variant.
Coding change: c.635G>C on transcript NM_003924.4 (MANE Select); coding-DNA position 635, G replaced by C.
Protein change: p.Gly212Ala; replaces glycine 212 with alanine.
Molecular consequence: missense variant.
Genome position (GRCh38, 1-based): chr4:41,746,117, C>G on the plus strand (G>C on the coding strand, the complement: PHOX2B is on the minus strand). VCF-style: chr4-41746117-C-G. GRCh37 (hg19) VCF-style: chr4-41748134-C-G.
Other names: short protein forms G212A.
Identifiers: ClinVar variation 1009221 (VCV001009221.8), dbSNP rs1733890495, ClinGen allele CA356737574.

ClinVar aggregate classification (germline): Uncertain significance. Review status: criteria provided, multiple submitters, no conflicts (2 of 4 stars). 2 submissions from 2 submitters: Uncertain significance (2). Last evaluated 2022-04-06.

Conditions:
Hereditary cancer-predisposing syndrome. Also called: Tumor predisposition; Hereditary neoplastic syndrome; Neoplastic Syndromes, Hereditary; Hereditary Cancer Syndrome. Identifiers: Orphanet 140162, MedGen C0027672, MeSH D009386, MONDO:0015356.
Haddad syndrome (OHD). Also called: Ondine-Hirschsprung disease. Identifiers: Orphanet 99803, MedGen C1859049, MONDO:0020493.

Submissions (2):

Ambry Genetics
Classification: Uncertain significance for Hereditary cancer-predisposing syndrome. Last evaluated: 2022-04-06. Review status: criteria provided, single submitter. Criteria: Ambry Variant Classification Scheme 2023. Collection method: clinical testing. Allele origin: germline.
Comment: The p.G212A variant (also known as c.635G>C), located in coding exon 3 of the PHOX2B gene, results from a G to C substitution at nucleotide position 635. The glycine at codon 212 is replaced by alanine, an amino acid with similar properties. This amino acid position is conserved. In addition, this alteration is predicted to be tolerated by in silico analysis. Since supporting evidence is limited at this time, the clinical significance of this alteration remains unclear.

Labcorp Genetics (formerly Invitae), Labcorp
Classification: Uncertain significance for Haddad syndrome. Last evaluated: 2021-08-30. Review status: criteria provided, single submitter. Criteria: Invitae Variant Classification Sherloc (09022015). Collection method: clinical testing. Allele origin: germline.
Comment: This sequence change replaces glycine with alanine at codon 212 of the PHOX2B protein (p.Gly212Ala). The glycine residue is moderately conserved and there is a small physicochemical difference between glycine and alanine. This variant is not present in population databases (ExAC no frequency). This variant has not been reported in the literature in individuals affected with PHOX2B-related conditions. Algorithms developed to predict the effect of missense changes on protein structure and function output the following: SIFT: "Deleterious"; PolyPhen-2: "Not Available"; Align-GVGD: "Class C0". The alanine amino acid residue is found in multiple mammalian species, which suggests that this missense change does not adversely affect protein function. In summary, the available evidence is currently insufficient to determine the role of this variant in disease. Therefore, it has been classified as a Variant of Uncertain Significance.